The following is an entry in ClinVar:

ClinVar aggregate classification (germline): Uncertain significance. Review status: criteria provided, multiple submitters, no conflicts (2 of 4 stars). 4 submissions from 4 submitters: Uncertain significance (3). 1 of the submissions does not count toward it. Last evaluated 2021-11-03.

Conditions:
Fanconi anemia complementation group A (FANCA). Also called: FANCA-Related Fanconi Anemia; Fanconi anemia, group A. Identifiers: Orphanet 84, MedGen C3469521, MONDO:0009215, OMIM 227650.
Fanconi anemia (FA). Also called: Fanconi's anemia. Identifiers: Orphanet 84, MedGen C0015625, MeSH D005199, MONDO:0019391.

Allele frequency attached by ClinVar (database versions not stated): TOPMed 0.00001.
gnomAD v4.1: 12 of 1,614,068 alleles (0.00074%); highest among the groups gnomAD compares: Non-Finnish European, 0.001%; no homozygotes.

Submissions (4):

Institute for Clinical Genetics, University Hospital TU Dresden, University Hospital TU Dresden
Classification: Uncertain significance. Last evaluated: 2021-11-03. Review status: criteria provided, single submitter. Criteria: ACMG Guidelines, 2015. Collection method: clinical testing. Allele origin: germline.

Labcorp Genetics (formerly Invitae), Labcorp
Classification: Uncertain significance for Fanconi anemia. Last evaluated: 2021-09-02. Review status: criteria provided, single submitter. Criteria: Invitae Variant Classification Sherloc (09022015). Collection method: clinical testing. Allele origin: germline.
Comment: This sequence change replaces glutamic acid with aspartic acid at codon 1351 of the FANCA protein (p.Glu1351Asp). The glutamic acid residue is weakly conserved and there is a small physicochemical difference between glutamic acid and aspartic acid. This variant is not present in population databases (ExAC no frequency). This variant has not been reported in the literature in individuals affected with FANCA-related conditions. Algorithms developed to predict the effect of missense changes on protein structure and function output the following: SIFT: "Tolerated"; PolyPhen-2: "Benign"; Align-GVGD: "Class C0". The aspartic acid amino acid residue is found in multiple mammalian species, which suggests that this missense change does not adversely affect protein function. In summary, the available evidence is currently insufficient to determine the role of this variant in disease. Therefore, it has been classified as a Variant of Uncertain Significance.

Illumina Laboratory Services, Illumina
Classification: Uncertain significance for Fanconi anemia complementation group A. Last evaluated: 2018-01-15. Review status: criteria provided, single submitter. Criteria: ICSL Variant Classification Criteria 13 December 2019. Collection method: clinical testing. Allele origin: germline.

Natera, Inc.
Classification: Uncertain significance for Fanconi anemia. Last evaluated: 2020-05-31. Review status: no assertion criteria provided. Collection method: clinical testing. Allele origin: germline. Not counted in ClinVar's aggregate classification.

NM_000135.4(FANCA):c.4053G>C (p.Glu1351Asp)

Genes: FANCA (FA complementation group A; minus strand), ZNF276 (zinc finger protein 276; plus strand). Cytogenetic location: 16q24.3.
Variant type: single nucleotide variant.
Coding change: c.4053G>C on transcript NM_000135.4 (MANE Select); coding-DNA position 4053, G replaced by C.
Protein change: p.Glu1351Asp; replaces glutamic acid 1351 with aspartic acid.
Molecular consequence: missense variant. On other transcripts: 3 prime UTR variant (2), non-coding transcript variant (4).
Genome position (GRCh38, 1-based): chr16:89,739,247, C>G on the plus strand (G>C on the coding strand, the complement: FANCA is on the minus strand). VCF-style: chr16-89739247-C-G. GRCh37 (hg19) VCF-style: chr16-89805655-C-G.
Other names: c.*1001C>G (NM_001113525.2, NM_152287.4); c.4053G>C, p.Glu1351Asp (NM_001286167.3); short protein forms E1351D.
Identifiers: ClinVar variation 886316 (VCV000886316.14), dbSNP rs1477796994, ClinGen allele CA397484592.